The following is an entry in ClinVar:

NM_183075.3(CYP2U1):c.1466T>C (p.Val489Ala)

Gene: CYP2U1 (cytochrome P450 family 2 subfamily U member 1; plus strand). Cytogenetic location: 4q25.
Variant type: single nucleotide variant.
Coding change: c.1466T>C on transcript NM_183075.3 (MANE Select); coding-DNA position 1466, T replaced by C.
Protein change: p.Val489Ala; replaces valine 489 with alanine.
Molecular consequence: missense variant.
Genome position (GRCh38, 1-based): chr4:107,950,254, T>C. VCF-style: chr4-107950254-T-C. GRCh37 (hg19) VCF-style: chr4-108871410-T-C.
Other names: c.1466T>C (NM_183075.2); short protein forms V489A.
Identifiers: ClinVar variation 2192669 (VCV002192669.5), dbSNP rs1471459317, ClinGen allele CA357839431.

ClinVar aggregate classification (germline): Uncertain significance. Review status: criteria provided, multiple submitters, no conflicts (2 of 4 stars). 2 submissions from 2 submitters: Uncertain significance (2). Last evaluated 2023-12-22.

Conditions:
Inborn genetic diseases. Identifiers: MedGen C0950123, MeSH D030342.
Spastic paraplegia. Identifiers: MedGen C0037772, HP:0001258.

Allele frequency attached by ClinVar (database versions not stated): gnomAD 0.00002; TOPMed 0.00002.
gnomAD v4.1: 11 of 1,604,120 alleles (0.00069%); highest among the groups gnomAD compares: East Asian, 0.011%; no homozygotes.

Submissions (2):

Ambry Genetics
Classification: Uncertain significance for Inborn genetic diseases. Last evaluated: 2023-12-22. Review status: criteria provided, single submitter. Criteria: Ambry Variant Classification Scheme 2023. Collection method: clinical testing. Allele origin: germline.

Labcorp Genetics (formerly Invitae), Labcorp
Classification: Uncertain significance for Spastic paraplegia. Last evaluated: 2022-04-13. Review status: criteria provided, single submitter. Criteria: Invitae Variant Classification Sherloc (09022015). Collection method: clinical testing. Allele origin: germline.
Comment: This variant is present in population databases (no rsID available, gnomAD 0.02%). This sequence change replaces valine, which is neutral and non-polar, with alanine, which is neutral and non-polar, at codon 489 of the CYP2U1 protein (p.Val489Ala). This variant has not been reported in the literature in individuals affected with CYP2U1-related conditions. Advanced modeling of protein sequence and biophysical properties (such as structural, functional, and spatial information, amino acid conservation, physicochemical variation, residue mobility, and thermodynamic stability) performed at Invitae indicates that this missense variant is not expected to disrupt CYP2U1 protein function. In summary, the available evidence is currently insufficient to determine the role of this variant in disease. Therefore, it has been classified as a Variant of Uncertain Significance.